The following is an entry in ClinVar:

ClinVar aggregate classification (germline): Uncertain significance. Review status: criteria provided, multiple submitters, no conflicts (2 of 4 stars). 2 submissions from 2 submitters: Uncertain significance (2). Last evaluated 2024-12-12.

Conditions:
Nephronophthisis 14 (NPHP14). Identifiers: Orphanet 2318, MedGen C3539071, MONDO:0013916, OMIM 614844.

Allele frequency attached by ClinVar (database versions not stated): gnomAD 0.00001; TOPMed 0.00001.
gnomAD v4.1: 12 of 1,613,982 alleles (0.00074%); highest among the groups gnomAD compares: East Asian, 0.025%; no homozygotes.

Submissions (2):

Labcorp Genetics (formerly Invitae), Labcorp
Classification: Uncertain significance for Nephronophthisis 14. Last evaluated: 2024-12-12. Review status: criteria provided, single submitter. Criteria: Invitae Variant Classification Sherloc (09022015). Collection method: clinical testing. Allele origin: germline.
Comment: This sequence change replaces proline, which is neutral and non-polar, with serine, which is neutral and polar, at codon 777 of the ZNF423 protein (p.Pro777Ser). This variant is present in population databases (rs746136095, gnomAD 0.06%). This variant has not been reported in the literature in individuals affected with ZNF423-related conditions. ClinVar contains an entry for this variant (Variation ID: 3195657). Invitae Evidence Modeling of protein sequence and biophysical properties (such as structural, functional, and spatial information, amino acid conservation, physicochemical variation, residue mobility, and thermodynamic stability) indicates that this missense variant is not expected to disrupt ZNF423 protein function with a negative predictive value of 80%. In summary, the available evidence is currently insufficient to determine the role of this variant in disease. Therefore, it has been classified as a Variant of Uncertain Significance.

Ambry Genetics
Classification: Uncertain significance. Last evaluated: 2023-11-07. Review status: criteria provided, single submitter. Criteria: Ambry Variant Classification Scheme 2023. Collection method: clinical testing. Allele origin: germline.

NM_001379286.1(ZNF423):c.2353C>T (p.Pro785Ser)

Gene: ZNF423 (zinc finger protein 423; minus strand). Cytogenetic location: 16q12.1.
Variant type: single nucleotide variant.
Coding change: c.2353C>T on transcript NM_001379286.1 (MANE Select); coding-DNA position 2353, C replaced by T.
Protein change: p.Pro785Ser; replaces proline 785 with serine.
Molecular consequence: missense variant.
Genome position (GRCh38, 1-based): chr16:49,636,823, G>A on the plus strand (C>T on the coding strand, the complement: ZNF423 is on the minus strand). VCF-style: chr16-49636823-G-A. GRCh37 (hg19) VCF-style: chr16-49670734-G-A.
Other names: c.2149C>T, p.Pro717Ser (NM_001271620.2); c.1978C>T, p.Pro660Ser (NM_001330533.2); c.2329C>T, p.Pro777Ser (NM_015069.5); short protein forms P777S, P660S, P717S, P785S.
Identifiers: ClinVar variation 3195657 (VCV003195657.3), dbSNP rs746136095, ClinGen allele CA8046524.